The following is an entry in ClinVar:

ClinVar aggregate classification (germline): Pathogenic/Likely pathogenic. Review status: criteria provided, multiple submitters, no conflicts (2 of 4 stars). 2 submissions from 2 submitters: Pathogenic (1); Likely pathogenic (1). Last evaluated 2024-09-19.

Submissions (2):

GeneDx
Classification: Likely pathogenic. Last evaluated: 2024-09-19. Review status: criteria provided, single submitter. Criteria: GeneDx Variant Classification Process June 2021. Collection method: clinical testing. Allele origin: germline. Affected: yes.
Comment: Not observed at significant frequency in large population cohorts (gnomAD); Frameshift variant predicted to result in abnormal protein length as the last 471 amino acids are replaced with 2 different amino acids, and other similar variants have been reported in HGMD; This variant is associated with the following publications: (PMID: 29625052, 34200080, 35177841, 36451132)

Labcorp Genetics (formerly Invitae), Labcorp
Classification: Pathogenic. Last evaluated: 2023-10-18. Review status: criteria provided, single submitter. Criteria: Invitae Variant Classification Sherloc (09022015). Collection method: clinical testing. Allele origin: germline.
Comment: This sequence change creates a premature translational stop signal (p.Gly294Asnfs*3) in the TSHR gene. While this is not anticipated to result in nonsense mediated decay, it is expected to disrupt the last 471 amino acid(s) of the TSHR protein. This variant is present in population databases (rs746213369, gnomAD 0.003%). This variant has not been reported in the literature in individuals affected with TSHR-related conditions. This variant disrupts a region of the TSHR protein in which other variant(s) (p.Thr655Cysfs*2) have been determined to be pathogenic (PMID: 9589691, 12050212, 22049173). This suggests that this is a clinically significant region of the protein, and that variants that disrupt it are likely to be disease-causing. For these reasons, this variant has been classified as Pathogenic.

Literature cited by the submitters: PubMed 9589691 (cited by Labcorp Genetics (formerly Invitae), Labcorp); PubMed 12050212 (cited by Labcorp Genetics (formerly Invitae), Labcorp); PubMed 22049173 (cited by Labcorp Genetics (formerly Invitae), Labcorp).

NM_000369.5(TSHR):c.879_880del (p.Gly294fs)

Genes: TSHR (thyroid stimulating hormone receptor; plus strand), TSHR-AS1 (TSHR antisense RNA 1; minus strand). Cytogenetic location: 14q31.1.
Variant type: Microsatellite.
Coding change: c.879_880del on transcript NM_000369.5 (MANE Select); coding-DNA positions 879 to 880, 2 bases deleted (AG; older notation c.879_880delAG).
Protein change: p.Gly294fs; shifts the reading frame from glycine 294.
Molecular consequence: frameshift variant.
Genome position (GRCh38, 1-based): chr14:81,139,865-81,139,866, AG deleted; deleting any 2 consecutive bases within chr14:81,139,863-81,139,866 gives the same sequence; the c. name uses the placement nearest the transcript's 3' end. VCF-style (leftmost placement, unchanged base first): chr14-81139862-CAG-C. GRCh37 (hg19) VCF-style: chr14-81606206-CAG-C.
Other names: c.877_878AG[1], p.Gly294Asnfs (NM_000369.2); c.879_880del (NM_000369.2); short protein forms G294fs.
Identifiers: ClinVar variation 2971733 (VCV002971733.4), dbSNP rs746213369, ClinGen allele CA7294337.
Genomic context (GRCh38, chr14:81,139,862, plus strand): 5'-CACACGGGCTGACCTTTCTTACCCAAGCCACTGCTGTGCTTTTAAGAATCAGAAGAAAAT[CAG>C]AGGGTAAGTGGCAGGGACCCGGCATAAGTGACAAAAGACCTTGGTGGAAGTGGAATTCAT-3'